The following is an entry in ClinVar:

ClinVar aggregate classification (germline): Uncertain significance (1 of 4 stars; one submission).

Conditions:
Cystic fibrosis (CF). Also called: MUCOVISCIDOSIS. Identifiers: Orphanet 586, MedGen C0010674, MONDO:0009061, OMIM 219700. Disease mechanism: loss of function.

Submission:

Ambry Genetics
Classification: Uncertain significance for Cystic fibrosis. Last evaluated: 2025-10-02. Review status: criteria provided, single submitter. Criteria: Ambry Variant Classification Scheme 2023. Collection method: clinical testing. Allele origin: germline.
Comment: The p.I972N variant (also known as c.2915T>A), located in coding exon 18 of the CFTR gene, results from a T to A substitution at nucleotide position 2915. The isoleucine at codon 972 is replaced by asparagine, an amino acid with dissimilar properties. This amino acid position is conserved. In addition, this alteration is predicted to be deleterious by in silico analysis. Based on the available evidence, the clinical significance of this variant remains unclear.

NM_000492.4(CFTR):c.2915T>A (p.Ile972Asn)

Genes: CFTR (CF transmembrane conductance regulator; plus strand), CFTR-AS2 (CFTR antisense RNA 2; minus strand). Cytogenetic location: 7q31.2.
Variant type: single nucleotide variant.
Coding change: c.2915T>A on transcript NM_000492.4 (MANE Select); coding-DNA position 2915, T replaced by A.
Protein change: p.Ile972Asn; replaces isoleucine 972 with asparagine.
Molecular consequence: missense variant.
Genome position (GRCh38, 1-based): chr7:117,606,680, T>A. VCF-style: chr7-117606680-T-A. GRCh37 (hg19) VCF-style: chr7-117246734-T-A.
Other names: short protein forms I972N.
Identifiers: ClinVar variation 4647188 (VCV004647188.1).